The following is an entry in ClinVar:

NM_000090.4(COL3A1):c.1303G>A (p.Gly435Ser)

Gene: COL3A1 (collagen type III alpha 1 chain; plus strand). Cytogenetic location: 2q32.2.
Variant type: single nucleotide variant.
Coding change: c.1303G>A on transcript NM_000090.4 (MANE Select); coding-DNA position 1303, G replaced by A.
Protein change: p.Gly435Ser; replaces glycine 435 with serine.
Molecular consequence: missense variant.
Genome position (GRCh38, 1-based): chr2:188,994,550, G>A. VCF-style: chr2-188994550-G-A. GRCh37 (hg19) VCF-style: chr2-189859276-G-A.
Other names: short protein forms G435S.
Identifiers: ClinVar variation 263854 (VCV000263854.11), dbSNP rs886038952, ClinGen allele CA10587531.
Genomic context (GRCh38, chr2:188,994,550, plus strand): 5'-TTGTTAGTCGAATCCTCCCTGTGTTTCAACCAAGACTTTGTTATACTTTAGGGTGAGCCT[G>A]GTAAGAATGGTGCCAAAGGAGAGCCCGGACCACGTGGTGAACGCGTAAGTTTTACTGCAA-3'
Protein context (NP_000081.2, residues 425-445): PGLRGGAGEP[Gly435Ser]KNGAKGEPGP

ClinVar aggregate classification (germline): Likely pathogenic. Review status: criteria provided, multiple submitters, no conflicts (2 of 4 stars). 2 submissions from 2 submitters: Likely pathogenic (2). Last evaluated 2025-10-19.

Conditions:
Familial thoracic aortic aneurysm and aortic dissection (TAAD). Also called: Thoracic aortic aneurysms and dissections. Identifiers: Orphanet 91387, MedGen C4707243, MONDO:0019625.
Ehlers-Danlos syndrome, type 4 (EDSVASC). Also called: Ehlers-Danlos syndrome vascular type; Ehlers Danlos syndrome, ecchymotic type; Ehlers Danlos syndrome, arterial type; Ehlers Danlos syndrome, Sack-Barabas type; Ehlers-Danlos Syndrome Type IV. Identifiers: Orphanet 286, MedGen C0268338, MONDO:0017314, OMIM 130050.

Submissions (2):

Labcorp Genetics (formerly Invitae), Labcorp
Classification: Likely pathogenic for Ehlers-Danlos syndrome, type 4. Last evaluated: 2025-10-19. Review status: criteria provided, single submitter. Criteria: Invitae Variant Classification Sherloc (09022015). Collection method: clinical testing. Allele origin: germline.
Comment: This sequence change replaces glycine, which is neutral and non-polar, with serine, which is neutral and polar, at codon 435 of the COL3A1 protein (p.Gly435Ser). This variant is not present in population databases (gnomAD no frequency). This variant has not been reported in the literature in individuals affected with COL3A1-related conditions. ClinVar contains an entry for this variant (Variation ID: 263854). Invitae Evidence Modeling of protein sequence and biophysical properties (such as structural, functional, and spatial information, amino acid conservation, physicochemical variation, residue mobility, and thermodynamic stability) indicates that this missense variant is expected to disrupt COL3A1 protein function with a positive predictive value of 95%. This variant disrupts the triple helix domain of COL3A1. Glycine residues within the Gly-Xaa-Yaa repeats of the triple helix domain are required for the structure and stability of fibrillar collagens (PMID: 7695699, 8218237, 19344236). In COL3A1, variants that affect these glycine residues are significantly enriched in individuals with disease (PMID: 24922459, 25758994) compared to the general population (ExAC). In summary, the currently available evidence indicates that the variant is pathogenic, but additional data are needed to prove that conclusively. Therefore, this variant has been classified as Likely Pathogenic.

Ambry Genetics
Classification: Likely pathogenic for Familial thoracic aortic aneurysm and aortic dissection. Last evaluated: 2020-10-20. Review status: criteria provided, single submitter. Criteria: Ambry Variant Classification Scheme 2023. Collection method: clinical testing. Allele origin: germline.
Comment: The p.G435S variant (also known as c.1303G>A), located in coding exon 19 of the COL3A1 gene, results from a G to A substitution at nucleotide position 1303. The glycine at codon 435 is replaced by serine, an amino acid with some similar properties. The majority (approximately two-thirds) of COL3A1 mutations identified to date have involved the substitution of another amino acid for glycine within the triple-helical domain (Pepin MG et al. Genet Med. 2014;16(12):881-8; Frank M et al. Eur J Hum Genet. 2015;23(12):1657-64). Internal structural analysis indicates that this alteration disrupts the characteristic G-X-Y motif in the COL3A1 protein and inserts a bulky side chain into a sterically-constrained region (Bella J et al. Science. 1994;266:75-81; Hohenester E et al. Proc. Natl. Acad. Sci. U.S.A. 2008;105:18273-7; Ambry internal data). An alteration at the same amino acid position, p.G435D, was reported in a patient with vascular Ehlers-Danlos syndrome (Frank M et al. Eur J Hum Genet. 2015;23:1657-64). This variant was not reported in population-based cohorts in the Genome Aggregation Database (gnomAD). This amino acid position is highly conserved in available vertebrate species. In addition, this alteration is predicted to be deleterious by in silico analysis. Based on the majority of available evidence to date, this variant is likely to be pathogenic.

Literature cited by the submitters: PubMed 7695699 (cited by Labcorp Genetics (formerly Invitae), Labcorp); PubMed 8218237 (cited by Labcorp Genetics (formerly Invitae), Labcorp); PubMed 19344236 (cited by Labcorp Genetics (formerly Invitae), Labcorp); PubMed 24922459 (cited by Labcorp Genetics (formerly Invitae), Labcorp); PubMed 25758994 (cited by Labcorp Genetics (formerly Invitae), Labcorp).